The following is an entry in ClinVar:

NM_007294.4(BRCA1):c.193A>T (p.Lys65Ter)

Gene: BRCA1 (BRCA1 DNA repair associated; minus strand). Cytogenetic location: 17q21.31.
Variant type: single nucleotide variant.
Coding change: c.193A>T on transcript NM_007294.4 (MANE Select); coding-DNA position 193, A replaced by T.
Protein change: p.Lys65Ter; replaces lysine 65 with a stop codon.
Molecular consequence: nonsense.
Genome position (GRCh38, 1-based): chr17:43,106,475, T>A on the plus strand (A>T on the coding strand, the complement: BRCA1 is on the minus strand). VCF-style: chr17-43106475-T-A. GRCh37 (hg19) VCF-style: chr17-41258492-T-A.
Other names: c.193A>T, p.Lys65Ter (NM_001407581.1, NM_001407582.1, NM_001407583.1 and 168 more transcripts); c.52A>T, p.Lys18Ter (NM_001407692.1, NM_001407694.1, NM_001407695.1 and 99 more transcripts); short protein forms K65*, K18*.
Identifiers: ClinVar variation 868264 (VCV000868264.3), dbSNP rs756948486, ClinGen allele CA10601783.

Conditions:
Breast-ovarian cancer, familial, susceptibility to, 1 (BROVCA1). Also called: BRCA1 Hereditary Breast and Ovarian Cancer; OVARIAN CANCER, SUSCEPTIBILITY TO. Identifiers: Orphanet 145, MedGen C2676676, MONDO:0011450, OMIM 604370. Disease mechanism: loss of function.

Submission:

Brotman Baty Institute, University of Washington
No classification provided (evidence only). Condition: Breast-ovarian cancer, familial 1. Review status: no classification provided. Collection method: in vitro. Allele origin: not applicable. Functional consequence: functionally_abnormal.
ClinVar note: "not provided" was previously submitted as the classification for the variant. However, the classification appeared to be based only on an observation of functional data so it was converted to no classification on 2025-07-30.